The following is an entry in ClinVar:

ClinVar aggregate classification (germline): Uncertain significance (1 of 4 stars; one submission).

Allele frequency attached by ClinVar (database versions not stated): gnomAD exomes below 0.00001; gnomAD 0.00001.
gnomAD v4.1: 7 of 1,613,998 alleles (0.00043%); highest among the groups gnomAD compares: Middle Eastern, 0.033%; 1 homozygote.

Submission:

Labcorp Genetics (formerly Invitae), Labcorp
Classification: Uncertain significance. Last evaluated: 2022-08-09. Review status: criteria provided, single submitter. Criteria: Invitae Variant Classification Sherloc (09022015). Collection method: clinical testing. Allele origin: germline.
Comment: This sequence change replaces lysine, which is basic and polar, with threonine, which is neutral and polar, at codon 155 of the TTPA protein (p.Lys155Thr). This variant is not present in population databases (gnomAD no frequency). This variant has not been reported in the literature in individuals affected with TTPA-related conditions. ClinVar contains an entry for this variant (Variation ID: 1010591). Algorithms developed to predict the effect of missense changes on protein structure and function (SIFT, PolyPhen-2, Align-GVGD) all suggest that this variant is likely to be disruptive. In summary, the available evidence is currently insufficient to determine the role of this variant in disease. Therefore, it has been classified as a Variant of Uncertain Significance.

NM_000370.3(TTPA):c.464A>C (p.Lys155Thr)

Gene: TTPA (alpha tocopherol transfer protein; minus strand). Cytogenetic location: 8q12.3.
Variant type: single nucleotide variant.
Coding change: c.464A>C on transcript NM_000370.3 (MANE Select); coding-DNA position 464, A replaced by C.
Protein change: p.Lys155Thr; replaces lysine 155 with threonine.
Molecular consequence: missense variant.
Genome position (GRCh38, 1-based): chr8:63,065,992, T>G on the plus strand (A>C on the coding strand, the complement: TTPA is on the minus strand). VCF-style: chr8-63065992-T-G. GRCh37 (hg19) VCF-style: chr8-63978551-T-G.
Other names: short protein forms K155T.
Identifiers: ClinVar variation 1010591 (VCV001010591.6), dbSNP rs768748858, ClinGen allele CA178384822.